The following is an entry in ClinVar:

ClinVar aggregate classification (germline): Uncertain significance (1 of 4 stars; one submission).

Conditions:
Charcot-Marie-Tooth disease type 2. Also called: Charcot-Marie-Tooth type 2. Identifiers: Orphanet 64746, MedGen C0270914, MONDO:0018993.

Submission:

Labcorp Genetics (formerly Invitae), Labcorp
Classification: Uncertain significance for Charcot-Marie-Tooth disease type 2. Last evaluated: 2024-08-21. Review status: criteria provided, single submitter. Criteria: Invitae Variant Classification Sherloc (09022015). Collection method: clinical testing. Allele origin: germline.
Comment: This sequence change creates a premature translational stop signal (p.His945Thrfs*61) in the KIF1B gene. It is expected to result in an absent or disrupted protein product. However, the current clinical and genetic evidence is not sufficient to establish whether loss-of-function variants in KIF1B cause disease. This variant is not present in population databases (gnomAD no frequency). This variant has not been reported in the literature in individuals affected with KIF1B-related conditions. ClinVar contains an entry for this variant (Variation ID: 565477). In summary, the available evidence is currently insufficient to determine the role of this variant in disease. Therefore, it has been classified as a Variant of Uncertain Significance.

NM_001365951.3(KIF1B):c.2971del (p.His991fs)

Gene: KIF1B (kinesin family member 1B; plus strand). Cytogenetic location: 1p36.22.
Variant type: Deletion.
Coding change: c.2971del on transcript NM_001365951.3 (MANE Select); coding-DNA position 2971, one base deleted (C; older notation c.2971delC).
Protein change: p.His991fs; shifts the reading frame from histidine 991.
Molecular consequence: frameshift variant.
Genome position (GRCh38, 1-based): chr1:10,334,566, C deleted; the last of 2 consecutive C bases (chr1:10,334,565-10,334,566); deleting either gives the same sequence. VCF-style (leftmost placement, unchanged base first): chr1-10334564-TC-T. GRCh37 (hg19) VCF-style: chr1-10394622-TC-T.
Other names: c.2833delC (NM_015074.3); c.2971del, p.His991fs (NM_001365952.1); c.2833del, p.His945fs (NM_015074.3); short protein forms H991fs, H945fs.
Identifiers: ClinVar variation 565477 (VCV000565477.6), dbSNP rs761398418, ClinGen allele CA17840393.